The following is an entry in ClinVar:

ClinVar aggregate classification (germline): Likely benign (1 of 4 stars; one submission).

Submission:

CeGaT Center for Human Genetics Tuebingen
Classification: Likely benign. Last evaluated: 2025-05-01. Review status: criteria provided, single submitter. Criteria: CeGaT Center For Human Genetics Tuebingen Variant Classification Criteria Version 2. Collection method: clinical testing. Allele origin: germline. Affected: yes. Observed: 1 variant allele.
Comment: BLM: PM2:Supporting, BP4, BP7

NM_000057.4(BLM):c.4076+314C>T

Gene: BLM (BLM RecQ like helicase; plus strand). Cytogenetic location: 15q26.1.
Variant type: single nucleotide variant.
Coding change: c.4076+314C>T on transcript NM_000057.4 (MANE Select); 314 bases into the intron after coding-DNA position 4076, C replaced by T.
Molecular consequence: intron variant.
Genome position (GRCh38, 1-based): chr15:90,811,720, C>T. VCF-style: chr15-90811720-C-T. GRCh37 (hg19) VCF-style: chr15-91354950-C-T.
Other names: c.4076+314C>T (NM_001287246.2); c.2951+314C>T (NM_001287248.2); c.3683+314C>T (NM_001287247.2).
Identifiers: ClinVar variation 3904849 (VCV003904849.10).
Genomic context (GRCh38, chr15:90,811,720, plus strand): 5'-TTCTTTTTTTAATTTGAGGACAAAGTCTGACTCTGTTGCCCAGGCTAGAGTGCAGTGGCA[C>T]AATCTCGGCTCACTGCAACCTCTGCCTCCTGTACTCAAGTGATCCTCCCACCTCAGCCTC-3'